The following is an entry in ClinVar:

NM_000186.4(CFH):c.2596+2T>C

Gene: CFH (complement factor H; plus strand). Cytogenetic location: 1q31.3.
Variant type: single nucleotide variant.
Coding change: c.2596+2T>C on transcript NM_000186.4 (MANE Select); the canonical splice donor site of the intron after coding-DNA position 2596, T replaced by C.
Molecular consequence: splice donor variant.
Genome position (GRCh38, 1-based): chr1:196,737,008, T>C. VCF-style: chr1-196737008-T-C. GRCh37 (hg19) VCF-style: chr1-196706138-T-C.
Identifiers: ClinVar variation 4291492 (VCV004291492.1).

ClinVar aggregate classification (germline): Pathogenic, low penetrance (1 of 4 stars; one submission).

Conditions:
Atypical hemolytic-uremic syndrome. Identifiers: Orphanet 2134, MedGen C2931788, MONDO:0016244.

Submission:

Genomenon, Inc
Classification: Pathogenic, low penetrance for Atypical hemolytic-uremic syndrome. Last evaluated: 2025-10-02. Review status: criteria provided, single submitter. Criteria: Genomenon Sequence Variant Interpretation Standards - Updated. Collection method: curation. Allele origin: germline. Affected: yes.
Comment: CFH c.2596+2T>C is a canonical splice variant located in the donor splice region of intron 16. It is predicted to affect mRNA splicing, leading to a deleterious effect on the CFH protein. This variant has been observed in at least one proband affected with atypical hemolytic-uremic syndrome (PMID:30890598). It is absent or not present at a significant frequency in gnomAD. In conclusion, we classify CFH c.2596+2T>C as a pathogenic, low penetrance variant.

Literature cited by the submitters: PubMed 30890598.